The following is an entry in ClinVar:

NM_001211.6(BUB1B):c.1135C>G (p.Leu379Val)

Gene: BUB1B (BUB1 mitotic checkpoint serine/threonine kinase B; plus strand). Cytogenetic location: 15q15.1.
Variant type: single nucleotide variant.
Coding change: c.1135C>G on transcript NM_001211.6 (MANE Select); coding-DNA position 1135, C replaced by G.
Protein change: p.Leu379Val; replaces leucine 379 with valine.
Molecular consequence: missense variant.
Genome position (GRCh38, 1-based): chr15:40,196,621, C>G. VCF-style: chr15-40196621-C-G. GRCh37 (hg19) VCF-style: chr15-40488822-C-G.
Other names: short protein forms L379V.
Identifiers: ClinVar variation 3826107 (VCV003826107.1).

ClinVar aggregate classification (germline): Uncertain significance (1 of 4 stars; one submission).

Conditions:
Inborn genetic diseases. Identifiers: MedGen C0950123, MeSH D030342.

Submission:

Ambry Genetics
Classification: Uncertain significance for Inborn genetic diseases. Last evaluated: 2025-01-24. Review status: criteria provided, single submitter. Criteria: Ambry Variant Classification Scheme 2023. Collection method: clinical testing. Allele origin: germline.
Comment: The p.L379V variant (also known as c.1135C>G), located in coding exon 9 of the BUB1B gene, results from a C to G substitution at nucleotide position 1135. The leucine at codon 379 is replaced by valine, an amino acid with highly similar properties. This amino acid position is conserved. In addition, this alteration is predicted to be tolerated by in silico analysis. Based on the available evidence, the clinical significance of this variant remains unclear.